The following is an entry in ClinVar:

ClinVar aggregate classification (germline): Uncertain significance (1 of 4 stars; one submission).

Conditions:
Hereditary cancer-predisposing syndrome. Also called: Tumor predisposition; Hereditary neoplastic syndrome; Hereditary Cancer Syndrome; Neoplastic Syndromes, Hereditary. Identifiers: Orphanet 140162, MedGen C0027672, MeSH D009386, MONDO:0015356.

Submission:

Ambry Genetics
Classification: Uncertain significance for Hereditary cancer-predisposing syndrome. Last evaluated: 2023-09-28. Review status: criteria provided, single submitter. Criteria: Ambry Variant Classification Scheme 2023. Collection method: clinical testing. Allele origin: germline.
Comment: The p.G451S variant (also known as c.1351G>A), located in coding exon 5 of the AXIN2 gene, results from a G to A substitution at nucleotide position 1351. The glycine at codon 451 is replaced by serine, an amino acid with similar properties. This amino acid position is conserved. In addition, the in silico prediction for this alteration is inconclusive. Since supporting evidence is limited at this time, the clinical significance of this alteration remains unclear.

NM_004655.4(AXIN2):c.1351G>A (p.Gly451Ser)

Gene: AXIN2 (axin 2; minus strand). Cytogenetic location: 17q24.1.
Variant type: single nucleotide variant.
Coding change: c.1351G>A on transcript NM_004655.4 (MANE Select); coding-DNA position 1351, G replaced by A.
Protein change: p.Gly451Ser; replaces glycine 451 with serine.
Molecular consequence: missense variant.
Genome position (GRCh38, 1-based): chr17:65,537,685, C>T on the plus strand (G>A on the coding strand, the complement: AXIN2 is on the minus strand). VCF-style: chr17-65537685-C-T. GRCh37 (hg19) VCF-style: chr17-63533803-C-T.
Other names: c.1351G>A, p.Gly451Ser (NM_001363813.1); short protein forms G451S.
Identifiers: ClinVar variation 3224363 (VCV003224363.1), dbSNP rs1439603213, ClinGen allele CA400677672.